The following is an entry in ClinVar:

ClinVar aggregate classification (germline): Uncertain significance (1 of 4 stars; one submission).

Allele frequency attached by ClinVar (database versions not stated): gnomAD 0.00015; ExAC 0.00007; 1000 Genomes Project 0.00060; TOPMed 0.00014; ESP Exome Variant Server 0.00031; 1000 Genomes Project 30x 0.00062.
gnomAD v4.1: 51 of 1,613,152 alleles (0.0032%); highest among the groups gnomAD compares: African/African-American, 0.043%; no homozygotes.

Submission:

Labcorp Genetics (formerly Invitae), Labcorp
Classification: Uncertain significance. Last evaluated: 2026-01-27. Review status: criteria provided, single submitter. Criteria: Invitae Variant Classification Sherloc (09022015). Collection method: clinical testing. Allele origin: germline.
Comment: This sequence change replaces serine, which is neutral and polar, with asparagine, which is neutral and polar, at codon 265 of the C1S protein (p.Ser265Asn). This variant is present in population databases (rs151322434, gnomAD 0.05%). This variant has not been reported in the literature in individuals affected with C1S-related conditions. ClinVar contains an entry for this variant (Variation ID: 2862918). Invitae Evidence Modeling of protein sequence and biophysical properties (such as structural, functional, and spatial information, amino acid conservation, physicochemical variation, residue mobility, and thermodynamic stability) indicates that this missense variant is not expected to disrupt C1S protein function with a negative predictive value of 80%. In summary, the available evidence is currently insufficient to determine the role of this variant in disease. Therefore, it has been classified as a Variant of Uncertain Significance.

NM_001734.5(C1S):c.794G>A (p.Ser265Asn)

Gene: C1S (complement C1s; plus strand). Cytogenetic location: 12p13.31.
Variant type: single nucleotide variant.
Coding change: c.794G>A on transcript NM_001734.5 (MANE Select); coding-DNA position 794, G replaced by A.
Protein change: p.Ser265Asn; replaces serine 265 with asparagine.
Molecular consequence: missense variant.
Genome position (GRCh38, 1-based): chr12:7,065,893, G>A. VCF-style: chr12-7065893-G-A. GRCh37 (hg19) VCF-style: chr12-7173197-G-A.
Other names: c.293G>A, p.Ser98Asn (NM_001346850.2); c.794G>A, p.Ser265Asn (NM_201442.4); short protein forms S98N, S265N.
Identifiers: ClinVar variation 2862918 (VCV002862918.3), dbSNP rs151322434, ClinGen allele CA6423581.